The following is an entry in ClinVar:

ClinVar aggregate classification (germline): Conflicting classifications of pathogenicity. Review status: criteria provided, conflicting classifications (1 of 4 stars). 4 submissions from 4 submitters: Uncertain significance (1); Benign (1); Likely benign (2). Last evaluated 2026-01-27.

Conditions:
Cardiovascular phenotype. Identifiers: MedGen CN230736.
Sick sinus syndrome 2, autosomal dominant (SSS2). Also called: ATRIAL FIBRILLATION WITH BRADYARRHYTHMIA; SINUS BRADYCARDIA SYNDROME, FAMILIAL, AUTOSOMAL DOMINANT; SINUS NODE DISEASE, FAMILIAL, AUTOSOMAL DOMINANT; SICK SINUS SYNDROME 2; SICK SINUS SYNDROME 2 WITH OR WITHOUT CARDIAC NONCOMPACTION AND/OR ASCENDING AORTA DILATION. Identifiers: Orphanet 166282, MedGen C1834144, MONDO:0008102, OMIM 163800.
Brugada syndrome 8 (BRGDA8). Identifiers: Orphanet 130, MedGen C2751083, MONDO:0013148, OMIM 613123.

Allele frequency attached by ClinVar (database versions not stated): TOPMed 0.00003; gnomAD 0.00004 and 0.00006; gnomAD exomes 0.00015; 1000 Genomes Project 30x 0.00016; ExAC 0.00041.
gnomAD v4.1: 134 of 1,524,746 alleles (0.0088%); highest among the groups gnomAD compares: East Asian, 0.12%; no homozygotes.

Submissions (4):

Labcorp Genetics (formerly Invitae), Labcorp
Classification: Likely benign for Brugada syndrome 8. Last evaluated: 2026-01-27. Review status: criteria provided, single submitter. Criteria: Invitae Variant Classification Sherloc (09022015). Collection method: clinical testing. Allele origin: germline.

Ambry Genetics
Classification: Uncertain significance for Cardiovascular phenotype. Last evaluated: 2025-04-24. Review status: criteria provided, single submitter. Criteria: Ambry Variant Classification Scheme 2023. Collection method: clinical testing. Allele origin: germline.
Comment: The p.R949W variant (also known as c.2845C>T), located in coding exon 8 of the HCN4 gene, results from a C to T substitution at nucleotide position 2845. The arginine at codon 949 is replaced by tryptophan, an amino acid with dissimilar properties. This amino acid position is not well conserved in available vertebrate species. In addition, the in silico prediction for this alteration is inconclusive. Since supporting evidence is limited at this time, the clinical significance of this alteration remains unclear.

GeneDx
Classification: Likely benign. Last evaluated: 2020-09-18. Review status: criteria provided, single submitter. Criteria: GeneDx Variant Classification Process June 2021. Collection method: clinical testing. Allele origin: germline. Affected: yes.
Comment: In silico analysis, which includes protein predictors and evolutionary conservation, supports that this variant does not alter protein structure/function; Has not been previously published as pathogenic or benign to our knowledge

Illumina Laboratory Services, Illumina
Classification: Benign for Sick sinus syndrome 2, autosomal dominant. Last evaluated: 2018-01-12. Review status: criteria provided, single submitter. Criteria: ICSL Variant Classification Criteria 13 December 2019. Collection method: clinical testing. Allele origin: germline.
Comment: This variant was observed in the ICSL laboratory as part of a predisposition screen in an ostensibly healthy population. It had not been previously curated by ICSL or reported in the Human Gene Mutation Database (HGMD: prior to June 1st, 2018), and was therefore a candidate for classification through an automated scoring system. Utilizing variant allele frequency, disease prevalence and penetrance estimates, and inheritance mode, an automated score was calculated to assess if this variant is too frequent to cause the disease. Based on the score and internal cut-off values, a variant classified as benign is not then subjected to further curation. The score for this variant resulted in a classification of benign for this disease.

NM_005477.3(HCN4):c.2845C>T (p.Arg949Trp)

Gene: HCN4 (hyperpolarization activated cyclic nucleotide gated potassium channel 4; minus strand). Cytogenetic location: 15q24.1.
Variant type: single nucleotide variant.
Coding change: c.2845C>T on transcript NM_005477.3 (MANE Select); coding-DNA position 2845, C replaced by T.
Protein change: p.Arg949Trp; replaces arginine 949 with tryptophan.
Molecular consequence: missense variant.
Genome position (GRCh38, 1-based): chr15:73,323,248, G>A on the plus strand (C>T on the coding strand, the complement: HCN4 is on the minus strand). VCF-style: chr15-73323248-G-A. GRCh37 (hg19) VCF-style: chr15-73615589-G-A.
Other names: short protein forms R949W.
Identifiers: ClinVar variation 701735 (VCV000701735.22), dbSNP rs755614529, ClinGen allele CA7648940.